The following is an entry in ClinVar:

ClinVar aggregate classification (germline): Conflicting classifications of pathogenicity. Review status: criteria provided, conflicting classifications (1 of 4 stars). 3 submissions from 3 submitters: Uncertain significance (2); Likely benign (1). Last evaluated 2025-02-26.

Conditions:
Hereditary cancer-predisposing syndrome. Also called: Tumor predisposition; Hereditary neoplastic syndrome; Neoplastic Syndromes, Hereditary; Hereditary Cancer Syndrome. Identifiers: Orphanet 140162, MedGen C0027672, MeSH D009386, MONDO:0015356.
Familial cancer of breast. Also called: hereditary breast carcinoma; BREAST CANCER, FAMILIAL; Hereditary breast cancer. Identifiers: Orphanet 227535, MedGen C0346153, MONDO:0016419, OMIM 114480. Disease mechanism: loss of function.

Allele frequency attached by ClinVar (database versions not stated): gnomAD exomes below 0.00001.
gnomAD v4.1: 5 of 1,614,142 alleles (0.00031%); highest among the groups gnomAD compares: African/African-American, 0.0013%; no homozygotes.

Submissions (3):

Ambry Genetics
Classification: Likely benign for Hereditary cancer-predisposing syndrome. Last evaluated: 2025-02-26. Review status: criteria provided, single submitter. Criteria: Ambry Variant Classification Scheme 2023. Collection method: clinical testing. Allele origin: germline.

Labcorp Genetics (formerly Invitae), Labcorp
Classification: Uncertain significance for Familial cancer of breast. Last evaluated: 2024-06-23. Review status: criteria provided, single submitter. Criteria: Invitae Variant Classification Sherloc (09022015). Collection method: clinical testing. Allele origin: germline.
Comment: This sequence change replaces arginine, which is basic and polar, with histidine, which is basic and polar, at codon 663 of the PALB2 protein (p.Arg663His). This variant is present in population databases (no rsID available, gnomAD 0.0009%). This variant has not been reported in the literature in individuals affected with PALB2-related conditions. ClinVar contains an entry for this variant (Variation ID: 856518). Advanced modeling of protein sequence and biophysical properties (such as structural, functional, and spatial information, amino acid conservation, physicochemical variation, residue mobility, and thermodynamic stability) performed at Invitae indicates that this missense variant is not expected to disrupt PALB2 protein function with a negative predictive value of 80%. In summary, the available evidence is currently insufficient to determine the role of this variant in disease. Therefore, it has been classified as a Variant of Uncertain Significance.

Women's Health and Genetics/Laboratory Corporation of America, LabCorp
Classification: Uncertain significance. Last evaluated: 2023-07-17. Review status: criteria provided, single submitter. Criteria: LabCorp Variant Classification Summary - May 2015. Collection method: clinical testing. Allele origin: germline.
Comment: Variant summary: PALB2 c.1988G>A (p.Arg663His) results in a non-conservative amino acid change in the encoded protein sequence. Three of five in-silico tools predict a benign effect of the variant on protein function. The variant allele was found at a frequency of 4e-06 in 251410 control chromosomes. The available data on variant occurrences in the general population are insufficient to allow any conclusion about variant significance. To our knowledge, no occurrence of c.1988G>A in individuals affected with Hereditary Breast And Ovarian Cancer Syndrome and no experimental evidence demonstrating its impact on protein function have been reported. Two submitters have cited clinical-significance assessments for this variant to ClinVar after 2014. All submitters classified the variant as uncertain significance. Based on the evidence outlined above, the variant was classified as uncertain significance.

NM_024675.4(PALB2):c.1988G>A (p.Arg663His)

Gene: PALB2 (partner and localizer of BRCA2; minus strand). Cytogenetic location: 16p12.2.
Variant type: single nucleotide variant.
Coding change: c.1988G>A on transcript NM_024675.4 (MANE Select); coding-DNA position 1988, G replaced by A.
Protein change: p.Arg663His; replaces arginine 663 with histidine.
Molecular consequence: missense variant.
Genome position (GRCh38, 1-based): chr16:23,630,166, C>T on the plus strand (G>A on the coding strand, the complement: PALB2 is on the minus strand). VCF-style: chr16-23630166-C-T. GRCh37 (hg19) VCF-style: chr16-23641487-C-T.
Other names: short protein forms R663H.
Identifiers: ClinVar variation 856518 (VCV000856518.15), dbSNP rs1462734899, ClinGen allele CA395127231.